The following is an entry in ClinVar:

ClinVar aggregate classification (germline): Uncertain significance (1 of 4 stars; one submission).

Allele frequency attached by ClinVar (database versions not stated): gnomAD exomes below 0.00001.
gnomAD v4.1: 2 of 1,613,804 alleles (0.00012%); highest among the groups gnomAD compares: Non-Finnish European, 0.00017%; no homozygotes.

Submission:

Labcorp Genetics (formerly Invitae), Labcorp
Classification: Uncertain significance. Last evaluated: 2022-01-02. Review status: criteria provided, single submitter. Criteria: Invitae Variant Classification Sherloc (09022015). Collection method: clinical testing. Allele origin: germline.
Comment: This sequence change replaces proline, which is neutral and non-polar, with histidine, which is basic and polar, at codon 3665 of the PCLO protein (p.Pro3665His). This variant has not been reported in the literature in individuals affected with PCLO-related conditions. This variant is not present in population databases (gnomAD no frequency). In summary, the available evidence is currently insufficient to determine the role of this variant in disease. Therefore, it has been classified as a Variant of Uncertain Significance. Algorithms developed to predict the effect of missense changes on protein structure and function are either unavailable or do not agree on the potential impact of this missense change (SIFT: "Deleterious"; PolyPhen-2: "Not Available"; Align-GVGD: "Class C0").

NM_033026.6(PCLO):c.10994C>A (p.Pro3665His)

Gene: PCLO (piccolo presynaptic cytomatrix protein; minus strand). Cytogenetic location: 7q21.11.
Variant type: single nucleotide variant.
Coding change: c.10994C>A on transcript NM_033026.6 (MANE Select); coding-DNA position 10994, C replaced by A.
Protein change: p.Pro3665His; replaces proline 3665 with histidine.
Molecular consequence: missense variant.
Genome position (GRCh38, 1-based): chr7:82,949,594, G>T on the plus strand (C>A on the coding strand, the complement: PCLO is on the minus strand). VCF-style: chr7-82949594-G-T. GRCh37 (hg19) VCF-style: chr7-82578910-G-T.
Other names: c.10994C>A, p.Pro3665His (NM_014510.3); short protein forms P3665H.
Identifiers: ClinVar variation 2070848 (VCV002070848.4), dbSNP rs2535671157, ClinGen allele CA367900772.